The following is an entry in ClinVar:

NM_020754.4(ARHGAP31):c.3278_3279del (p.Thr1093fs)

Gene: ARHGAP31 (Rho GTPase activating protein 31; plus strand). Cytogenetic location: 3q13.33.
Variant type: Microsatellite.
Coding change: c.3278_3279del on transcript NM_020754.4 (MANE Select); coding-DNA positions 3278 to 3279, 2 bases deleted (CA; older notation c.3278_3279delCA).
Protein change: p.Thr1093fs; shifts the reading frame from threonine 1093.
Molecular consequence: frameshift variant.
Genome position (GRCh38, 1-based): chr3:119,415,207-119,415,208, CA deleted; deleting any 2 consecutive bases within chr3:119,415,205-119,415,208 gives the same sequence; the c. name uses the placement nearest the transcript's 3' end. VCF-style (leftmost placement, unchanged base first): chr3-119415204-GCA-G. GRCh37 (hg19) VCF-style: chr3-119134051-GCA-G.
Other names: short protein forms T1093fs.
Identifiers: ClinVar variation 1334657 (VCV001334657.4), dbSNP rs2107647568, ClinGen allele CA2580616511.

ClinVar aggregate classification (germline): Uncertain significance (1 of 4 stars; one submission).

Submission:

Greenwood Genetic Center Diagnostic Laboratories, Greenwood Genetic Center
Classification: Uncertain significance. Last evaluated: 2021-11-15. Review status: criteria provided, single submitter. Criteria: ACMG Guidelines, 2015. Collection method: clinical testing. Allele origin: germline. Affected: yes.
Comment: PVS1_Supp, PM2